The following is an entry in ClinVar:

NM_000428.3(LTBP2):c.3571G>A (p.Glu1191Lys)

Gene: LTBP2 (latent transforming growth factor beta binding protein 2; minus strand). Cytogenetic location: 14q24.3.
Variant type: single nucleotide variant.
Coding change: c.3571G>A on transcript NM_000428.3 (MANE Select); coding-DNA position 3571, G replaced by A.
Protein change: p.Glu1191Lys; replaces glutamic acid 1191 with lysine.
Molecular consequence: missense variant.
Genome position (GRCh38, 1-based): chr14:74,508,685, C>T on the plus strand (G>A on the coding strand, the complement: LTBP2 is on the minus strand). VCF-style: chr14-74508685-C-T. GRCh37 (hg19) VCF-style: chr14-74975388-C-T.
Other names: short protein forms E1191K.
Identifiers: ClinVar variation 126954 (VCV000126954.8), dbSNP rs137854862, ClinGen allele CA151341.
Genomic context (GRCh38, chr14:74,508,685, plus strand): 5'-CTGCGCTGACGAAGCCAGGCGCGCACAGACAGAAGAAAGACCCGTGGCTGTTGAGGCACT[C>T]GCCGTGGGGTGCGCAGTGCTCCTCCCCCATGCACTCATTCACATCTGCAGGGAAAAGATG-3'
Protein context (NP_000419.1, residues 1181-1201): MGEEHCAPHG[Glu1191Lys]CLNSHGSFFC

ClinVar aggregate classification (germline): Uncertain significance. Review status: criteria provided, multiple submitters, no conflicts (2 of 4 stars). 4 submissions from 3 submitters: Uncertain significance (3). 1 of the submissions does not count toward it. Last evaluated 2023-09-27.

Conditions:
Weill-Marchesani syndrome. Also called: WM Syndrome; Mesodermal dysmorphodystrophy congenital. Identifiers: Orphanet 3449, MedGen C0265313, MONDO:0018096.
Primary open angle glaucoma (POAG). Also called: OPTN-related open angle glaucoma. Identifiers: MedGen C0339573, MONDO:0100553, OMIM 137760.
Glaucoma 3, primary congenital, D. Identifiers: Orphanet 98976, MedGen C2751316, MONDO:0013122, OMIM 613086.

Allele frequency attached by ClinVar (database versions not stated): TOPMed 0.00001; gnomAD exomes 0.00002 and 0.00003; ExAC 0.00007.
gnomAD v4.1: 31 of 1,613,674 alleles (0.0019%); highest among the groups gnomAD compares: Non-Finnish European, 0.0024%; no homozygotes.

Submissions (4):

Labcorp Genetics (formerly Invitae), Labcorp
Classification: Uncertain significance. Last evaluated: 2023-09-27. Review status: criteria provided, single submitter. Criteria: Invitae Variant Classification Sherloc (09022015). Collection method: clinical testing. Allele origin: germline.
Comment: This sequence change replaces glutamic acid, which is acidic and polar, with lysine, which is basic and polar, at codon 1191 of the LTBP2 protein (p.Glu1191Lys). This variant is present in population databases (rs137854862, gnomAD 0.006%). This missense change has been observed in individual(s) with primary open angle glaucoma (PMID: 23401661). ClinVar contains an entry for this variant (Variation ID: 126954). An algorithm developed to predict the effect of missense changes on protein structure and function (PolyPhen-2) suggests that this variant is likely to be disruptive. In summary, the available evidence is currently insufficient to determine the role of this variant in disease. Therefore, it has been classified as a Variant of Uncertain Significance.

Illumina Laboratory Services, Illumina
Classification: Uncertain significance for Weill-Marchesani syndrome. Last evaluated: 2018-01-13. Review status: criteria provided, single submitter. Criteria: ICSL Variant Classification Criteria 13 December 2019. Collection method: clinical testing. Allele origin: germline.

Illumina Laboratory Services, Illumina
Classification: Uncertain significance for Glaucoma 3, primary congenital, D. Last evaluated: 2018-01-13. Review status: criteria provided, single submitter. Criteria: ICSL Variant Classification Criteria 13 December 2019. Collection method: clinical testing. Allele origin: germline.

Elahi Laboratory, University of Tehran
Classification: Likely pathogenic for Primary open angle glaucoma. Review status: no assertion criteria provided. Collection method: not provided. Allele origin: unknown. Not counted in ClinVar's aggregate classification.
ClinVar note: Converted during submission from probable-pathogenic to Likely pathogenic.

Literature cited by the submitters: PubMed 23401661 (cited by Labcorp Genetics (formerly Invitae), Labcorp).